The following is an entry in ClinVar:

NM_015978.3(TNNI3K):c.1670T>C (p.Ile557Thr)

Genes: FPGT-TNNI3K (FPGT-TNNI3K readthrough; plus strand), TNNI3K (TNNI3 interacting kinase; plus strand). Cytogenetic location: 1p31.1.
Variant type: single nucleotide variant.
Coding change: c.1670T>C on transcript NM_015978.3 (MANE Select); coding-DNA position 1670, T replaced by C.
Protein change: p.Ile557Thr; replaces isoleucine 557 with threonine.
Molecular consequence: missense variant.
Genome position (GRCh38, 1-based): chr1:74,370,290, T>C. VCF-style: chr1-74370290-T-C. GRCh37 (hg19) VCF-style: chr1-74835974-T-C.
Other names: c.1973T>C, p.Ile658Thr (NM_001112808.3, NM_001199327.2); short protein forms I557T, I658T.
Identifiers: ClinVar variation 2805184 (VCV002805184.3), dbSNP rs200116854, ClinGen allele CA909370.

ClinVar aggregate classification (germline): Uncertain significance (1 of 4 stars; one submission).

Allele frequency attached by ClinVar (database versions not stated): gnomAD 0.00001; TOPMed 0.00001; ExAC 0.00002.
gnomAD v4.1: 10 of 1,588,266 alleles (0.00063%); highest among the groups gnomAD compares: Non-Finnish European, 0.00077%; no homozygotes.

Submission:

Labcorp Genetics (formerly Invitae), Labcorp
Classification: Uncertain significance. Last evaluated: 2023-04-16. Review status: criteria provided, single submitter. Criteria: Invitae Variant Classification Sherloc (09022015). Collection method: clinical testing. Allele origin: germline.
Comment: Algorithms developed to predict the effect of missense changes on protein structure and function output the following: SIFT: "Not Available"; PolyPhen-2: "Benign"; Align-GVGD: "Not Available". The threonine amino acid residue is found in multiple mammalian species, which suggests that this missense change does not adversely affect protein function. In summary, the available evidence is currently insufficient to determine the role of this variant in disease. Therefore, it has been classified as a Variant of Uncertain Significance. This variant has not been reported in the literature in individuals affected with TNNI3K-related conditions. This variant is present in population databases (rs200116854, gnomAD 0.002%). This sequence change replaces isoleucine, which is neutral and non-polar, with threonine, which is neutral and polar, at codon 557 of the TNNI3K protein (p.Ile557Thr).